The following is an entry in ClinVar:

NM_018993.4(RIN2):c.537-2A>C

Gene: RIN2 (Ras and Rab interactor 2; plus strand). Cytogenetic location: 20p11.23.
Variant type: single nucleotide variant.
Coding change: c.537-2A>C on transcript NM_018993.4 (MANE Select); the canonical splice acceptor site of the intron before coding-DNA position 537, A replaced by C.
Molecular consequence: splice acceptor variant.
Genome position (GRCh38, 1-based): chr20:19,970,836, A>C. VCF-style: chr20-19970836-A-C. GRCh37 (hg19) VCF-style: chr20-19951480-A-C.
Other names: c.-82-2A>C (NM_001378238.1); c.684-2A>C (NM_001242581.2).
Identifiers: ClinVar variation 2771606 (VCV002771606.3), dbSNP rs2515479055, ClinGen allele CA408359247.

ClinVar aggregate classification (germline): Likely pathogenic (1 of 4 stars; one submission).

Submission:

Labcorp Genetics (formerly Invitae), Labcorp
Classification: Likely pathogenic. Last evaluated: 2023-10-24. Review status: criteria provided, single submitter. Criteria: Invitae Variant Classification Sherloc (09022015). Collection method: clinical testing. Allele origin: germline.
Comment: This sequence change affects an acceptor splice site in intron 5 of the RIN2 gene. It is expected to disrupt RNA splicing. Variants that disrupt the donor or acceptor splice site typically lead to a loss of protein function (PMID: 16199547), and loss-of-function variants in RIN2 are known to be pathogenic (PMID: 19631308). This variant is not present in population databases (gnomAD no frequency). This variant has not been reported in the literature in individuals affected with RIN2-related conditions. Algorithms developed to predict the effect of sequence changes on RNA splicing suggest that this variant may disrupt the consensus splice site. In summary, the currently available evidence indicates that the variant is pathogenic, but additional data are needed to prove that conclusively. Therefore, this variant has been classified as Likely Pathogenic.

Literature cited by the submitters: PubMed 16199547; PubMed 19631308.